The following is an entry in ClinVar:

NM_001110556.2(FLNA):c.2989G>T (p.Gly997Cys)

Gene: FLNA (filamin A; minus strand). Cytogenetic location: Xq28.
Variant type: single nucleotide variant.
Coding change: c.2989G>T on transcript NM_001110556.2 (MANE Select); coding-DNA position 2989, G replaced by T.
Protein change: p.Gly997Cys; replaces glycine 997 with cysteine.
Molecular consequence: missense variant.
Genome position (GRCh38, 1-based): chrX:154,361,526, C>A on the plus strand (G>T on the coding strand, the complement: FLNA is on the minus strand). VCF-style: chrX-154361526-C-A. GRCh37 (hg19) VCF-style: chrX-153589894-C-A.
Other names: NC_000023.10:g.153589894C>A; c.2989G>T, p.Gly997Cys (NM_001456.4); c.2989G>T (NM_001456.3); short protein forms G997C.
Identifiers: ClinVar variation 4478540 (VCV004478540.2).

ClinVar aggregate classification (germline): Uncertain significance (1 of 4 stars; one submission).

gnomAD v4.1: 2 of 1,211,643 alleles (0.00017%); highest among the groups gnomAD compares: Non-Finnish European, 0.00022%; no homozygotes.

Submissions (3):

GeneDx
Classification: Uncertain significance. Last evaluated: 2026-03-16. Review status: criteria provided, single submitter. Criteria: GeneDx Variant Classification Process June 2021. Collection method: clinical testing. Allele origin: germline.
Comment: Not observed at significant frequency in large population cohorts (gnomAD); In silico analysis supports that this missense variant has a deleterious effect on protein structure/function; Has not been previously published as pathogenic or benign in association with an FLNA-related disorder to our knowledge; This variant is associated with the following publications: (PMID: 31275557)

Dr. Peter K. Rogan Lab, Western University
No classification provided (evidence only). Condition: Thyroid cancer, nonmedullary, 1. Review status: no classification provided. Collection method: in vitro. Allele origin: not applicable. Functional consequence: retained intron. Not counted in ClinVar's aggregate classification.

Dr. Peter K. Rogan Lab, Western University
No classification provided (evidence only). Condition: Thyroid cancer, nonmedullary, 1. Review status: no classification provided. Collection method: in vitro. Allele origin: not applicable. Functional consequence: retained intron. Not counted in ClinVar's aggregate classification.